The following is an entry in ClinVar:

NM_002234.4(KCNA5):c.544G>A (p.Gly182Arg)

Gene: KCNA5 (potassium voltage-gated channel subfamily A member 5; plus strand). Cytogenetic location: 12p13.32.
Variant type: single nucleotide variant.
Coding change: c.544G>A on transcript NM_002234.4 (MANE Select); coding-DNA position 544, G replaced by A.
Protein change: p.Gly182Arg; replaces glycine 182 with arginine.
Molecular consequence: missense variant.
Genome position (GRCh38, 1-based): chr12:5,044,691, G>A. VCF-style: chr12-5044691-G-A. GRCh37 (hg19) VCF-style: chr12-5153857-G-A.
Other names: short protein forms G182R.
Identifiers: ClinVar variation 469594 (VCV000469594.24), dbSNP rs755408841, ClinGen allele CA6399652.
Genomic context (GRCh38, chr12:5,044,691, plus strand): 5'-GAGTACTTCTTCGACCGCAACCGGCCCAGCTTCGACGGTATCCTCTACTACTACCAGTCC[G>A]GGGGCCGCCTGCGGAGGCCGGTCAACGTCTCCCTGGACGTGTTCGCGGACGAGATACGCT-3'
Protein context (NP_002225.2, residues 172-192): FDGILYYYQS[Gly182Arg]GRLRRPVNVS

ClinVar aggregate classification (germline): Conflicting classifications of pathogenicity. Review status: criteria provided, conflicting classifications (1 of 4 stars). 5 submissions from 5 submitters: Uncertain significance (3); Likely benign (2). Last evaluated 2025-08-21.

Conditions:
Atrial fibrillation, familial, 7 (ATFB7). Identifiers: MedGen C2677106, MONDO:0012828, OMIM 612240.

Allele frequency attached by ClinVar (database versions not stated): gnomAD 0.00007 and 0.00008; TOPMed 0.00011; ExAC 0.00014; gnomAD exomes 0.00021.

Submissions (5):

Labcorp Genetics (formerly Invitae), Labcorp
Classification: Likely benign for Atrial fibrillation, familial, 7. Last evaluated: 2025-08-21. Review status: criteria provided, single submitter. Criteria: Invitae Variant Classification Sherloc (09022015). Collection method: clinical testing. Allele origin: germline.

Blueprint Genetics
Classification: Likely benign. Last evaluated: 2024-09-12. Review status: criteria provided, single submitter. Criteria: ACMG Guidelines, 2015. Collection method: clinical testing. Allele origin: germline.

GeneDx
Classification: Uncertain significance. Last evaluated: 2023-11-08. Review status: criteria provided, single submitter. Criteria: GeneDx Variant Classification Process June 2021. Collection method: clinical testing. Allele origin: germline. Affected: yes.
Comment: Reported in association with idiopathic pulmonary hypertension; patient-specific clinical data and segregation data were not provided (PMID: 17267549); In vitro functional studies suggest that G182R may affect the KCNA5 channel function (PMID: 20018952); however, it is not clear how well these studies reproduce in vivo condition; In silico analysis supports that this missense variant has a deleterious effect on protein structure/function; This variant is associated with the following publications: (PMID: 37201951, 36578258, 20018952, 28341588, 17267549)

ARUP Laboratories, Molecular Genetics and Genomics, ARUP Laboratories
Classification: Uncertain significance for Atrial fibrillation, familial, 7. Last evaluated: 2020-11-05. Review status: criteria provided, single submitter. Criteria: ARUP Molecular Germline Variant Investigation Process 2021. Collection method: clinical testing. Allele origin: germline.
Comment: The KCNA5 c.544G>A; p.Gly182Arg variant (rs755408841) is reported in the literature in an individual affected with pulmonary arterial hypertension (Burg 2010). This variant is found in the Latino population with an overall allele frequency of 0.11% (40/35432 alleles in the Genome Aggregation Database. The glycine at codon 182 is highly conserved, and computational analyses predict that this variant is deleterious (REVEL: 0.924). Functional studies suggest that the variant protein forms functional channels when expressed in cultured cells, but it exhibits reduced processing and altered inactivation kinetics (Burg 2010). Although the population frequency of this variant appears inconsistent with disease, due to conflicting information, the clinical significance of the p.Gly182Arg variant is uncertain at this time. References: Burg ED et al. Tetramerization domain mutations in KCNA5 affect channel kinetics and cause abnormal trafficking patterns. Am J Physiol Cell Physiol. 2010 Mar;298(3):C496-509.

Stanford Center for Inherited Cardiovascular Disease, Stanford University
Classification: Uncertain significance. Last evaluated: 2018-01-24. Review status: criteria provided, single submitter. Criteria: ACMG Guidelines, 2015. Collection method: provider interpretation. Allele origin: germline.